The following is an entry in ClinVar:

ClinVar aggregate classification (germline): Uncertain significance. Review status: criteria provided, multiple submitters, no conflicts (2 of 4 stars). 2 submissions from 2 submitters: Uncertain significance (2). Last evaluated 2025-04-23.

Conditions:
Hereditary cancer-predisposing syndrome. Also called: Tumor predisposition; Hereditary Cancer Syndrome; Hereditary neoplastic syndrome; Neoplastic Syndromes, Hereditary. Identifiers: Orphanet 140162, MedGen C0027672, MeSH D009386, MONDO:0015356.
POLD1-related polyposis and colorectal cancer syndrome (CRCS10). Also called: Colorectal cancer 10; COLORECTAL CANCER, SUSCEPTIBILITY TO, ON CHROMOSOME 19q; Colorectal cancer, susceptibility to, 10. Identifiers: Orphanet 220460, MedGen C2675481, MONDO:0012953, OMIM 612591.

Submissions (2):

Ambry Genetics
Classification: Uncertain significance for Hereditary cancer-predisposing syndrome. Last evaluated: 2025-04-23. Review status: criteria provided, single submitter. Criteria: Ambry Variant Classification Scheme 2023. Collection method: clinical testing. Allele origin: germline.
Comment: The p.P942Q variant (also known as c.2825C>A), located in coding exon 22 of the POLD1 gene, results from a C to A substitution at nucleotide position 2825. The proline at codon 942 is replaced by glutamine, an amino acid with similar properties. This amino acid position is conserved. In addition, the in silico prediction for this alteration is inconclusive. Based on the available evidence, the clinical significance of this variant remains unclear.

Labcorp Genetics (formerly Invitae), Labcorp
Classification: Uncertain significance for POLD1-related polyposis and colorectal cancer syndrome. Last evaluated: 2020-10-21. Review status: criteria provided, single submitter. Criteria: Invitae Variant Classification Sherloc (09022015). Collection method: clinical testing. Allele origin: germline.
Comment: In summary, the available evidence is currently insufficient to determine the role of this variant in disease. Therefore, it has been classified as a Variant of Uncertain Significance. Algorithms developed to predict the effect of missense changes on protein structure and function are either unavailable or do not agree on the potential impact of this missense change (SIFT: "Deleterious"; PolyPhen-2: "Probably Damaging"; Align-GVGD: "Class C0"). This sequence change replaces proline with glutamine at codon 942 of the POLD1 protein (p.Pro942Gln). The proline residue is highly conserved and there is a moderate physicochemical difference between proline and glutamine. This variant has not been reported in the literature in individuals with POLD1-related conditions. This variant is not present in population databases (ExAC no frequency).

NM_002691.4(POLD1):c.2825C>A (p.Pro942Gln)

Gene: POLD1 (DNA polymerase delta 1, catalytic subunit; plus strand). Cytogenetic location: 19q13.33.
Variant type: single nucleotide variant.
Coding change: c.2825C>A on transcript NM_002691.4 (MANE Select); coding-DNA position 2825, C replaced by A.
Protein change: p.Pro942Gln; replaces proline 942 with glutamine.
Molecular consequence: missense variant. On other transcripts: non-coding transcript variant (1).
Genome position (GRCh38, 1-based): chr19:50,416,400, C>A. VCF-style: chr19-50416400-C-A. GRCh37 (hg19) VCF-style: chr19-50919657-C-A.
Other names: c.2825C>A, p.Pro942Gln (NM_001256849.1); c.2903C>A, p.Pro968Gln (NM_001308632.1); c.2825C>A (NM_002691.2); short protein forms P942Q, P968Q.
Identifiers: ClinVar variation 1005945 (VCV001005945.9), dbSNP rs1270149320, ClinGen allele CA406986196.